The following is an entry in ClinVar:

NM_001318852.2(MAPK8IP3):c.482A>T (p.Tyr161Phe)

Gene: MAPK8IP3 (mitogen-activated protein kinase 8 interacting protein 3; plus strand). Cytogenetic location: 16p13.3.
Variant type: single nucleotide variant.
Coding change: c.482A>T on transcript NM_001318852.2 (MANE Select); coding-DNA position 482, A replaced by T.
Protein change: p.Tyr161Phe; replaces tyrosine 161 with phenylalanine.
Molecular consequence: missense variant.
Genome position (GRCh38, 1-based): chr16:1,729,180, A>T. VCF-style: chr16-1729180-A-T. GRCh37 (hg19) VCF-style: chr16-1779181-A-T.
Other names: c.482A>T, p.Tyr161Phe (NM_001040439.2, NM_015133.5); short protein forms Y161F.
Identifiers: ClinVar variation 1698473 (VCV001698473.1), dbSNP rs2141731604, ClinGen allele CA394219637.

ClinVar aggregate classification (germline): Uncertain significance (1 of 4 stars; one submission).

Allele frequency attached by ClinVar (database versions not stated): gnomAD exomes below 0.00001.
gnomAD v4.1: 1 of 1,614,042 alleles (0.000062%); highest among the groups gnomAD compares: Non-Finnish European, 0.000085%; no homozygotes.

Submission:

Women's Health and Genetics/Laboratory Corporation of America, LabCorp
Classification: Uncertain significance. Last evaluated: 2022-06-03. Review status: criteria provided, single submitter. Criteria: LabCorp Variant Classification Summary - May 2015. Collection method: clinical testing. Allele origin: germline.
Comment: Variant summary: MAPK8IP3 c.482A>T (p.Tyr161Phe) results in a conservative amino acid change located in the JNK/Rab-associated protein-1, N-terminal domain of the encoded protein sequence. Four of five in-silico tools predict a benign effect of the variant on protein function. The variant was absent in 248954 control chromosomes. The available data on variant occurrences in the general population are insufficient to allow any conclusion about variant significance. To our knowledge, no occurrence of c.482A>T in individuals affected with Neurodevelopmental Disorder With Or Without Variable Brain Abnormalities; NEDBA and no experimental evidence demonstrating its impact on protein function have been reported. No clinical diagnostic laboratories have submitted clinical-significance assessments for this variant to ClinVar after 2014. Based on the evidence outlined above, the variant was classified as uncertain significance.